The following is an entry in ClinVar:

NM_001429.4(EP300):c.7017C>T (p.His2339=)

Gene: EP300 (EP300 lysine acetyltransferase; plus strand). Cytogenetic location: 22q13.2.
Variant type: single nucleotide variant.
Coding change: c.7017C>T on transcript NM_001429.4 (MANE Select); coding-DNA position 7017, C replaced by T.
Protein change: p.His2339=; no amino-acid change (histidine 2339 retained).
Molecular consequence: synonymous variant.
Genome position (GRCh38, 1-based): chr22:41,178,728, C>T. VCF-style: chr22-41178728-C-T. GRCh37 (hg19) VCF-style: chr22-41574732-C-T.
Other names: c.6939C>T, p.His2313= (NM_001362843.2).
Identifiers: ClinVar variation 2196454 (VCV002196454.30), dbSNP rs759571982, ClinGen allele CA10254014.

ClinVar aggregate classification (germline): Likely benign. Review status: criteria provided, multiple submitters, no conflicts (2 of 4 stars). 4 submissions from 4 submitters: Likely benign (3). 1 of the submissions does not count toward it. Last evaluated 2025-07-01.

Conditions:
EP300-related disorder. Also called: EP300-related condition; EP300-related disorders.
Rubinstein-Taybi syndrome due to EP300 haploinsufficiency. Also called: EP300-Related Rubinstein-Taybi Syndrome; RUBINSTEIN-TAYBI SYNDROME 2. Identifiers: Orphanet 353284, Orphanet 783, MedGen C3150941, MONDO:0013364, OMIM 613684.

Allele frequency attached by ClinVar (database versions not stated): TOPMed 0.00001 and 0.00002; ExAC 0.00002; gnomAD exomes 0.00002 and 0.00003; gnomAD 0.00004 and 0.00010.
gnomAD v4.1: 30 of 1,614,048 alleles (0.0019%); highest among the groups gnomAD compares: Middle Eastern, 0.016%; no homozygotes.

Submissions (4):

CeGaT Center for Human Genetics Tuebingen
Classification: Likely benign. Last evaluated: 2025-07-01. Review status: criteria provided, single submitter. Criteria: CeGaT Center For Human Genetics Tuebingen Variant Classification Criteria Version 2. Collection method: clinical testing. Allele origin: germline. Affected: yes. Observed: 2 variant alleles.
Comment: EP300: BP4, BP7

Labcorp Genetics (formerly Invitae), Labcorp
Classification: Likely benign for Rubinstein-Taybi syndrome due to EP300 haploinsufficiency. Last evaluated: 2025-05-07. Review status: criteria provided, single submitter. Criteria: Invitae Variant Classification Sherloc (09022015). Collection method: clinical testing. Allele origin: germline.

Blueprint Genetics
Classification: Likely benign. Last evaluated: 2024-11-15. Review status: criteria provided, single submitter. Criteria: ACMG Guidelines, 2015. Collection method: clinical testing. Allele origin: germline.

PreventionGenetics, part of Exact Sciences
Classification: Likely benign for EP300-related condition. Last evaluated: 2022-02-09. Review status: no assertion criteria provided. Collection method: clinical testing. Allele origin: germline. Not counted in ClinVar's aggregate classification.
Comment: This variant is classified as likely benign based on ACMG/AMP sequence variant interpretation guidelines (Richards et al. 2015 PMID: 25741868, with internal and published modifications).